The following is an entry in ClinVar:

ClinVar aggregate classification (germline): Uncertain significance (1 of 4 stars; one submission).

Submission:

Labcorp Genetics (formerly Invitae), Labcorp
Classification: Uncertain significance. Last evaluated: 2022-07-05. Review status: criteria provided, single submitter. Criteria: Invitae Variant Classification Sherloc (09022015). Collection method: clinical testing. Allele origin: germline.
Comment: This variant has not been reported in the literature in individuals affected with COQ7-related conditions. In summary, the available evidence is currently insufficient to determine the role of this variant in disease. Therefore, it has been classified as a Variant of Uncertain Significance. Algorithms developed to predict the effect of sequence changes on RNA splicing suggest that this variant may disrupt the consensus splice site. ClinVar contains an entry for this variant (Variation ID: 1470281). This variant is not present in population databases (gnomAD no frequency). This sequence change affects a donor splice site in intron 1 of the COQ7 gene. It is expected to disrupt RNA splicing. Variants that disrupt the donor or acceptor splice site typically lead to a loss of protein function (PMID: 16199547), however the current clinical and genetic evidence is not sufficient to establish whether loss-of-function variants in COQ7 cause disease.

Literature cited by the submitters: PubMed 16199547.

NM_016138.5(COQ7):c.73+2T>A

Genes: COQ7 (coenzyme Q7, hydroxylase; plus strand), LOC130058587 (ATAC-STARR-seq lymphoblastoid silent region 7240; plus strand). Cytogenetic location: 16p12.3.
Variant type: single nucleotide variant.
Coding change: c.73+2T>A on transcript NM_016138.5 (MANE Select); the canonical splice donor site of the intron after coding-DNA position 73, T replaced by A.
Molecular consequence: splice donor variant. On other transcripts: 5 prime UTR variant (1).
Genome position (GRCh38, 1-based): chr16:19,067,739, T>A. VCF-style: chr16-19067739-T-A. GRCh37 (hg19) VCF-style: chr16-19079061-T-A.
Other names: c.-133T>A (NM_001370494.1); c.73+2T>A (NM_001370490.1).
Identifiers: ClinVar variation 1470281 (VCV001470281.6), dbSNP rs1477613521, ClinGen allele CA394917066.